The following is an entry in ClinVar:

NM_000264.5(PTCH1):c.4235C>T (p.Pro1412Leu)

Gene: PTCH1 (patched 1; minus strand). Cytogenetic location: 9q22.32.
Variant type: single nucleotide variant.
Coding change: c.4235C>T on transcript NM_000264.5 (MANE Select); coding-DNA position 4235, C replaced by T.
Protein change: p.Pro1412Leu; replaces proline 1412 with leucine.
Molecular consequence: missense variant. On other transcripts: non-coding transcript variant (1).
Genome position (GRCh38, 1-based): chr9:95,447,021, G>A on the plus strand (C>T on the coding strand, the complement: PTCH1 is on the minus strand). VCF-style: chr9-95447021-G-A. GRCh37 (hg19) VCF-style: chr9-98209303-G-A.
Other names: c.4037C>T, p.Pro1346Leu (NM_001083602.3); c.4232C>T, p.Pro1411Leu (NM_001083603.3); c.3782C>T, p.Pro1261Leu (NM_001083604.3, NM_001083605.3, NM_001083606.3 and 1 more transcripts); c.4079C>T, p.Pro1360Leu (NM_001354918.2); c.4235C>T (NM_000264.4); short protein forms P1411L, P1412L, P1346L, P1261L, P1360L.
Identifiers: ClinVar variation 646640 (VCV000646640.16), dbSNP rs766849993, ClinGen allele CA5137916.
Genomic context (GRCh38, chr9:95,447,021, plus strand): 5'-AGCTCAATGACTTCCACCTTCGAATCCCTCCTCTCACACCGGACGTGGAAAGGCACGTGG[G>A]GGTCCTCAAACAGGCCGTGGTCAGTCTCAGGGTAGCCTGGGCAGAGTCCCCCTCGGGGGT-3'
Protein context (NP_000255.2, residues 1402-1422): PETDHGLFED[Pro1412Leu]HVPFHVRCER

ClinVar aggregate classification (germline): Uncertain significance. Review status: criteria provided, multiple submitters, no conflicts (2 of 4 stars). 5 submissions from 5 submitters: Uncertain significance (5). Last evaluated 2025-10-30.

Conditions:
Holoprosencephaly 7 (HPE7). Identifiers: Orphanet 2162, MedGen C1835820, MONDO:0012562, OMIM 610828.
Basal cell carcinoma, susceptibility to, 1. Also called: BCC1. Identifiers: MedGen C2751544, MONDO:0011556, OMIM 605462.
Gorlin syndrome. Also called: Basal cell nevus syndrome; Nevoid Basal Cell Carcinoma Syndrome. Identifiers: Orphanet 377, MedGen C0004779, MONDO:0007187.
Hereditary cancer-predisposing syndrome. Also called: Hereditary Cancer Syndrome; Tumor predisposition; Neoplastic Syndromes, Hereditary; Hereditary neoplastic syndrome. Identifiers: Orphanet 140162, MedGen C0027672, MeSH D009386, MONDO:0015356.

Allele frequency attached by ClinVar (database versions not stated): ExAC 0.00001; gnomAD 0.00001 and 0.00002; gnomAD exomes 0.00001; TOPMed 0.00002.

Submissions (5):

Labcorp Genetics (formerly Invitae), Labcorp
Classification: Uncertain significance for Gorlin syndrome. Last evaluated: 2025-10-30. Review status: criteria provided, single submitter. Criteria: Invitae Variant Classification Sherloc (09022015). Collection method: clinical testing. Allele origin: germline.
Comment: This sequence change replaces proline, which is neutral and non-polar, with leucine, which is neutral and non-polar, at codon 1412 of the PTCH1 protein (p.Pro1412Leu). This variant is present in population databases (rs766849993, gnomAD 0.005%). This variant has not been reported in the literature in individuals affected with PTCH1-related conditions. ClinVar contains an entry for this variant (Variation ID: 646640). Invitae Evidence Modeling of protein sequence and biophysical properties (such as structural, functional, and spatial information, amino acid conservation, physicochemical variation, residue mobility, and thermodynamic stability) indicates that this missense variant is not expected to disrupt PTCH1 protein function with a negative predictive value of 95%. In summary, the available evidence is currently insufficient to determine the role of this variant in disease. Therefore, it has been classified as a Variant of Uncertain Significance.

GeneDx
Classification: Uncertain significance. Last evaluated: 2025-01-10. Review status: criteria provided, single submitter. Criteria: GeneDx Variant Classification Process June 2021. Collection method: clinical testing. Allele origin: germline. Affected: yes.
Comment: In silico analysis indicates that this missense variant does not alter protein structure/function; Has not been previously published as pathogenic or benign to our knowledge

Ambry Genetics
Classification: Uncertain significance for Hereditary cancer-predisposing syndrome. Last evaluated: 2024-03-25. Review status: criteria provided, single submitter. Criteria: Ambry Variant Classification Scheme 2023. Collection method: clinical testing. Allele origin: germline.
Comment: The p.P1412L variant (also known as c.4235C>T), located in coding exon 23 of the PTCH1 gene, results from a C to T substitution at nucleotide position 4235. The proline at codon 1412 is replaced by leucine, an amino acid with similar properties. This amino acid position is highly conserved in available vertebrate species. In addition, this alteration is predicted to be deleterious by in silico analysis. Based on the available evidence, the clinical significance of this alteration remains unclear.

Quest Diagnostics Nichols Institute San Juan Capistrano
Classification: Uncertain significance. Last evaluated: 2023-12-22. Review status: criteria provided, single submitter. Criteria: Quest Diagnostics criteria. Collection method: clinical testing. Allele origin: unknown.
Comment: The PTCH1 c.4235C>T (p.Pro1412Leu) variant has not been reported in individuals with PTCH1-related conditions in the published literature. The frequency of this variant in the general population, 0.000014 (4/282766 chromosomes (Genome Aggregation Database)), is uninformative in the assessment of its pathogenicity. Analysis of this variant using bioinformatics tools for the prediction of the effect of amino acid changes on protein structure and function yielded predictions that this variant is damaging. Based on the available information, we are unable to determine the clinical significance of this variant.

Fulgent Genetics
Classification: Uncertain significance for Basal cell nevus syndrome 1; Basal cell carcinoma, susceptibility to, 1; Holoprosencephaly 7. Last evaluated: 2021-10-21. Review status: criteria provided, single submitter. Criteria: ACMG Guidelines, 2015. Collection method: clinical testing. Allele origin: unknown.